The following is an entry in ClinVar:

NM_001393797.1(ABCC12):c.1125C>T (p.Pro375=)

Gene: ABCC12 (ATP binding cassette subfamily C member 12; minus strand). Cytogenetic location: 16q12.1.
Variant type: single nucleotide variant.
Coding change: c.1125C>T on transcript NM_001393797.1 (MANE Select); coding-DNA position 1125, C replaced by T.
Protein change: p.Pro375=; no amino-acid change (proline 375 retained).
Molecular consequence: synonymous variant. On other transcripts: non-coding transcript variant (6).
Genome position (GRCh38, 1-based): chr16:48,133,690, G>A on the plus strand (C>T on the coding strand, the complement: ABCC12 is on the minus strand). VCF-style: chr16-48133690-G-A. GRCh37 (hg19) VCF-style: chr16-48167601-G-A.
Other names: c.1125C>T, p.Pro375= (NM_001392028.1, NM_033226.3).
Identifiers: ClinVar variation 4999468 (VCV004999468.1).

ClinVar aggregate classification (germline): Likely benign (1 of 4 stars; one submission).

Conditions:
ABCC12-related condition.

gnomAD v4.1: 23 of 1,613,694 alleles (0.0014%); highest among the groups gnomAD compares: Admixed American, 0.0033%; no homozygotes.

Submission:

PreventionGenetics, part of Exact Sciences
Classification: Likely benign for ABCC12-related condition. Last evaluated: 2025-12-11. Review status: criteria provided, single submitter. Criteria: ACMG Guidelines, 2015. Collection method: clinical testing. Allele origin: germline.
Comment: This variant is classified as likely benign based on ACMG/AMP sequence variant interpretation guidelines (Richards et al. 2015 PMID: 25741868, with internal and published modifications).